The following is an entry in ClinVar:

ClinVar aggregate classification (germline): Uncertain significance (1 of 4 stars; one submission).

Allele frequency attached by ClinVar (database versions not stated): gnomAD exomes below 0.00001 and 0.00001; gnomAD 0.00001; TOPMed 0.00001.

Submission:

GeneDx
Classification: Uncertain significance. Last evaluated: 2020-01-07. Review status: criteria provided, single submitter. Criteria: GeneDx Variant Classification Process June 2021. Collection method: clinical testing. Allele origin: germline. Affected: yes.
Comment: In silico analysis, which includes splice predictors and evolutionary conservation, supports that this variant does not alter protein structure/function; Has not been previously published as pathogenic or benign to our knowledge

NM_138927.4(SON):c.4239G>A (p.Leu1413=)

Gene: SON (SON DNA and RNA binding protein; plus strand). Cytogenetic location: 21q22.11.
Variant type: single nucleotide variant.
Coding change: c.4239G>A on transcript NM_138927.4 (MANE Select); coding-DNA position 4239, G replaced by A.
Protein change: p.Leu1413=; no amino-acid change (leucine 1413 retained).
Molecular consequence: synonymous variant. On other transcripts: non-coding transcript variant (1), intron variant (1).
Genome position (GRCh38, 1-based): chr21:33,553,470, G>A. VCF-style: chr21-33553470-G-A. GRCh37 (hg19) VCF-style: chr21-34925776-G-A.
Other names: c.4239G>A, p.Leu1413= (NM_001291411.2, NM_032195.3); c.245-3686G>A (NM_001291412.3).
Identifiers: ClinVar variation 1311958 (VCV001311958.2), dbSNP rs1340446160, ClinGen allele CA512338291.